The following is an entry in ClinVar:

NM_024596.5(MCPH1):c.15C>T (p.Ile5=)

Gene: MCPH1 (microcephalin 1; plus strand). Cytogenetic location: 8p23.1.
Variant type: single nucleotide variant.
Coding change: c.15C>T on transcript NM_024596.5 (MANE Select); coding-DNA position 15, C replaced by T.
Protein change: p.Ile5=; no amino-acid change (isoleucine 5 retained).
Molecular consequence: synonymous variant. On other transcripts: non-coding transcript variant (1).
Genome position (GRCh38, 1-based): chr8:6,406,682, C>T. VCF-style: chr8-6406682-C-T. GRCh37 (hg19) VCF-style: chr8-6264203-C-T.
Other names: c.15C>T, p.Ile5= (NM_001172574.2, NM_001172575.2, NM_001322042.2 and 3 more transcripts); c.15C>T (NM_001322042.1).
Identifiers: ClinVar variation 736556 (VCV000736556.9), dbSNP rs757247746, ClinGen allele CA4609977.

ClinVar aggregate classification (germline): Likely benign. Review status: criteria provided, multiple submitters, no conflicts (2 of 4 stars). 3 submissions from 3 submitters: Likely benign (3). Last evaluated 2026-05-01.

Conditions:
MCPH1-related disorder. Also called: MCPH1-related condition.

Allele frequency attached by ClinVar (database versions not stated): TOPMed 0.00001; ExAC 0.00003; gnomAD 0.00003 and 0.00004; gnomAD exomes 0.00004.
gnomAD v4.1: 26 of 1,612,022 alleles (0.0016%); highest among the groups gnomAD compares: Middle Eastern, 0.016%; 1 homozygote.

Submissions (3):

CeGaT Center for Human Genetics Tuebingen
Classification: Likely benign. Last evaluated: 2026-05-01. Review status: criteria provided, single submitter. Criteria: CeGaT Center For Human Genetics Tuebingen Variant Classification Criteria Version 2. Collection method: clinical testing. Allele origin: germline. Affected: yes. Observed: 1 variant allele.
Comment: MCPH1: BP4, BP7

Labcorp Genetics (formerly Invitae), Labcorp
Classification: Likely benign. Last evaluated: 2025-07-30. Review status: criteria provided, single submitter. Criteria: Invitae Variant Classification Sherloc (09022015). Collection method: clinical testing. Allele origin: germline.

PreventionGenetics, part of Exact Sciences
Classification: Likely benign for MCPH1-related condition. Last evaluated: 2025-04-15. Review status: criteria provided, single submitter. Criteria: ACMG Guidelines, 2015. Collection method: clinical testing. Allele origin: germline.
Comment: This variant is classified as likely benign based on ACMG/AMP sequence variant interpretation guidelines (Richards et al. 2015 PMID: 25741868, with internal and published modifications).